The following is an entry in ClinVar:

NM_006947.4(SRP72):c.1426C>A (p.Gln476Lys)

Gene: SRP72 (signal recognition particle 72; plus strand). Cytogenetic location: 4q12.
Variant type: single nucleotide variant.
Coding change: c.1426C>A on transcript NM_006947.4 (MANE Select); coding-DNA position 1426, C replaced by A.
Protein change: p.Gln476Lys; replaces glutamine 476 with lysine.
Molecular consequence: missense variant. On other transcripts: non-coding transcript variant (1).
Genome position (GRCh38, 1-based): chr4:56,490,569, C>A. VCF-style: chr4-56490569-C-A. GRCh37 (hg19) VCF-style: chr4-57356735-C-A.
Other names: c.1243C>A, p.Gln415Lys (NM_001267722.2); short protein forms Q415K, Q476K.
Identifiers: ClinVar variation 3801409 (VCV003801409.1).
Genomic context (GRCh38, chr4:56,490,569, plus strand): 5'-TTATATTACTTTCTCCAGTTTTATAAACAGTTCAATAATTTTCTTATTTCTTCTTTTAGA[C>A]AAAATCCAAAAGATATTCACACCCTGGCACAGCTTATTTCTGCTTACTCACTTGTAGATC-3'
Protein context (NP_008878.3, residues 466-486): AISDLQQLWK[Gln476Lys]NPKDIHTLAQ

ClinVar aggregate classification (germline): Uncertain significance (1 of 4 stars; one submission).

Submission:

Ambry Genetics
Classification: Uncertain significance. Last evaluated: 2024-12-19. Review status: criteria provided, single submitter. Criteria: Ambry Variant Classification Scheme 2023. Collection method: clinical testing. Allele origin: germline.
Comment: The p.Q476K variant (also known as c.1426C>A), located in coding exon 15 of the SRP72 gene, results from a C to A substitution at nucleotide position 1426. The glutamine at codon 476 is replaced by lysine, an amino acid with similar properties. This amino acid position is conserved. In addition, the in silico prediction for this alteration is inconclusive. Based on the available evidence, the clinical significance of this variant remains unclear.